The following is an entry in ClinVar:

NM_000455.5(STK11):c.333C>T (p.Ile111=)

Gene: STK11 (serine/threonine kinase 11; plus strand). Cytogenetic location: 19p13.3.
Variant type: single nucleotide variant.
Coding change: c.333C>T on transcript NM_000455.5 (MANE Select); coding-DNA position 333, C replaced by T.
Protein change: p.Ile111=; no amino-acid change (isoleucine 111 retained).
Molecular consequence: synonymous variant.
Genome position (GRCh38, 1-based): chr19:1,218,459, C>T. VCF-style: chr19-1218459-C-T. GRCh37 (hg19) VCF-style: chr19-1218458-C-T.
Identifiers: ClinVar variation 485021 (VCV000485021.15), dbSNP rs1555737428, ClinGen allele CA504706554.

ClinVar aggregate classification (germline): Benign/Likely benign. Review status: criteria provided, multiple submitters, no conflicts (2 of 4 stars). 4 submissions from 4 submitters: Benign (1); Likely benign (3). Last evaluated 2025-07-17.

Conditions:
Hereditary cancer-predisposing syndrome. Also called: Hereditary neoplastic syndrome; Neoplastic Syndromes, Hereditary; Tumor predisposition; Hereditary Cancer Syndrome. Identifiers: Orphanet 140162, MedGen C0027672, MeSH D009386, MONDO:0015356.
Peutz-Jeghers syndrome (PJS). Also called: POLYPOSIS, HAMARTOMATOUS INTESTINAL; POLYPS-AND-SPOTS SYNDROME; Peutz-Jeghers polyposis; Periorificial lentiginosis syndrome. Identifiers: Orphanet 2869, MedGen C0031269, MeSH D010580, MONDO:0008280, OMIM 175200.

Allele frequency attached by ClinVar (database versions not stated): TOPMed below 0.00001; gnomAD exomes 0.00001.
gnomAD v4.1: 3 of 1,613,698 alleles (0.00019%); highest among the groups gnomAD compares: East Asian, 0.0022%; no homozygotes.

Submissions (4):

Color Diagnostics, LLC DBA Color Health
Classification: Likely benign for Hereditary cancer-predisposing syndrome. Last evaluated: 2025-07-17. Review status: criteria provided, single submitter. Criteria: ACMG Guidelines, 2015. Collection method: clinical testing. Allele origin: germline.

Myriad Genetics, Inc.
Classification: Benign for Peutz-Jeghers syndrome. Last evaluated: 2025-03-25. Review status: criteria provided, single submitter. Criteria: Myriad Autosomal Dominant, Autosomal Recessive and X-Linked Classification Criteria (2023). Collection method: clinical testing. Allele origin: unknown.
Comment: This variant is considered benign. This variant is a silent/synonymous amino acid change and it is not expected to impact splicing.

Labcorp Genetics (formerly Invitae), Labcorp
Classification: Likely benign for Peutz-Jeghers syndrome. Last evaluated: 2024-10-06. Review status: criteria provided, single submitter. Criteria: Invitae Variant Classification Sherloc (09022015). Collection method: clinical testing. Allele origin: germline.

Ambry Genetics
Classification: Likely benign for Hereditary cancer-predisposing syndrome. Last evaluated: 2017-09-05. Review status: criteria provided, single submitter. Criteria: Ambry Variant Classification Scheme 2023. Collection method: clinical testing. Allele origin: germline.